The following is an entry in ClinVar:

NM_001267550.2(TTN):c.102795TAA[1] (p.Asn34266del)

Genes: TTN (titin; minus strand), TTN-AS1 (TTN antisense RNA 1; plus strand). Cytogenetic location: 2q31.2.
Variant type: Microsatellite.
Coding change: c.102795TAA[1] on transcript NM_001267550.2 (MANE Select); one copy of the 3-base unit TAA starting at c.102795; the reference has two copies in a row; one copy, 3 bases deleted; also written c.102798_102800del.
Protein change: p.Asn34266del; deletes asparagine 34266.
Molecular consequence: inframe deletion.
Genome position (GRCh38, 1-based): chr2:178,533,815-178,533,817, TTA deleted on the plus strand (TAA on the coding strand, the reverse complement: TTN is on the minus strand); deleting any 3 consecutive bases within chr2:178,533,815-178,533,821 gives the same sequence; the position shown is the placement nearest the transcript's 3' end. VCF-style (leftmost placement, unchanged base first): chr2-178533814-CTTA-C. GRCh37 (hg19) VCF-style: chr2-179398541-CTTA-C.
Other names: c.102798_102800delTAA (NM_001267550.2); c.97875_97877del (NM_001256850.1); c.97872TAA[1], p.Asn32625del (NM_001256850.1); c.75600TAA[1], p.Asn25201del (NM_003319.4); c.95091TAA[1], p.Asn31698del (NM_133378.4); c.75975TAA[1], p.Asn25326del (NM_133432.3); c.76176TAA[1], p.Asn25393del (NM_133437.4); c.75603_75605delTAA (NM_003319.4); and 1 more; short protein forms N31698del, N34266del, N25201del, N25326del, N25393del, N32625del.
Identifiers: ClinVar variation 290291 (VCV000290291.24), dbSNP rs886044414, ClinGen allele CA10606724.

ClinVar aggregate classification (germline): Conflicting classifications of pathogenicity. Review status: criteria provided, conflicting classifications (1 of 4 stars). 7 submissions from 7 submitters: Likely pathogenic (2); Uncertain significance (5). Last evaluated 2025-12-08.

Conditions:
Cardiovascular phenotype. Identifiers: MedGen CN230736.
Autosomal recessive limb-girdle muscular dystrophy type 2J (LGMDR10). Also called: Limb-girdle muscular dystrophy, type 2J; MUSCULAR DYSTROPHY, LIMB-GIRDLE, AUTOSOMAL RECESSIVE 10. Identifiers: Orphanet 140922, MedGen C1837342, MONDO:0012127, OMIM 608807.
Dilated cardiomyopathy 1G (CMD1G). Identifiers: Orphanet 154, MedGen C1858763, MONDO:0011400, OMIM 604145.
Multiminicore myopathy. Identifiers: Orphanet 598, MedGen C0270962, MONDO:0018948.
Cardiomyopathy (CMYO). Also called: Cardiomyopathies. Identifiers: Orphanet 167848, MedGen C0878544, MONDO:0004994, HP:0001638. Inheritance: Various modes of inheritance.

Submissions (7):

Labcorp Genetics (formerly Invitae), Labcorp
Classification: Likely pathogenic for Dilated cardiomyopathy 1G; Autosomal recessive limb-girdle muscular dystrophy type 2J. Last evaluated: 2025-12-08. Review status: criteria provided, single submitter. Criteria: Invitae Variant Classification Sherloc (09022015). Collection method: clinical testing. Allele origin: germline.
Comment: This variant, c.102798_102800del, results in the deletion of 1 amino acid(s) of the TTN protein (p.Asn34266del), but otherwise preserves the integrity of the reading frame. This variant is present in population databases (no rsID available, gnomAD 0.002%). This variant has been observed in individual(s) with autosomal recessive TTN-related conditions (PMID: 35081925; internal data). In at least one individual the data is consistent with being in trans (on the opposite chromosome) from a pathogenic variant. This variant has been reported in individual(s) with autosomal dominant dilated cardiomyopathy (internal data); however, the role of the variant in this condition is currently unclear. ClinVar contains an entry for this variant (Variation ID: 290291). This variant is located in the M band of TTN (PMID: 25589632). Non-truncating variants in this region may be relevant for neuromuscular disorders, but have not been definitively shown to cause cardiomyopathy (PMID: 23975875). In summary, the currently available evidence indicates that the variant is pathogenic, but additional data are needed to prove that conclusively. Therefore, this variant has been classified as Likely Pathogenic.

Ambry Genetics
Classification: Uncertain significance for Cardiovascular phenotype. Last evaluated: 2025-10-09. Review status: criteria provided, single submitter. Criteria: Ambry Variant Classification Scheme 2023. Collection method: clinical testing. Allele origin: germline.
Comment: The c.75603_75605delTAA variant (also known as p.N25201del) is located in coding exon 185 of the TTN gene. This variant results from an in-frame TAA deletion at nucleotide positions 75603 to 75605. This results in the in-frame deletion of an asparagine at codon 25201. This variant was reported in individual(s) with features consistent with dilated cardiomyopathy (Ambry internal data). This alteration has also been reported to co-occur with a second TTN variant in an individual from a congenital myopathy cohort (Zhang Y et al. BMC Pediatr, 2022 Jan;22:65). Note, this variant is also referred to as NM_001267550.1:c.102798_102800del (p.Asn34266del) in the literature. This amino acid position is highly conserved in available vertebrate species. In addition, this alteration is predicted to be deleterious by in silico analysis (Choi Y et al. PLoS ONE. 2012; 7(10):e46688). Based on the available evidence, the clinical significance of this variant remains unclear.

Molecular Diagnostic Laboratory for Inherited Cardiovascular Disease, Montreal Heart Institute
Classification: Uncertain significance for Cardiovascular phenotype. Last evaluated: 2025-04-09. Review status: criteria provided, single submitter. Criteria: ACMG Guidelines, 2015. Collection method: clinical testing. Allele origin: germline. Affected: yes.
Comment: PM2, PM4

GeneDx
Classification: Uncertain significance. Last evaluated: 2023-08-15. Review status: criteria provided, single submitter. Criteria: GeneDx Variant Classification Process June 2021. Collection method: clinical testing. Allele origin: germline. Affected: yes.
Comment: Not observed at significant frequency in large population cohorts (gnomAD); In-frame single amino acid deletion in a gene in which most reported pathogenic variants are truncating/loss of function; Located in the M-line region of TTN in which the majority of loss of function variants have been associated with autosomal recessive titinopathies (Carmignac et al., 2007); This variant is associated with the following publications: (PMID: 35081925)

Pediatric Department, Peking University First Hospital
Classification: Likely pathogenic for Multiminicore disease. Last evaluated: 2020-04-11. Review status: criteria provided, single submitter. Criteria: ACMG Guidelines, 2015. Collection method: provider interpretation. Allele origin: maternal. Affected: yes.

CHEO Genetics Diagnostic Laboratory, Children's Hospital of Eastern Ontario
Classification: Uncertain significance for Cardiomyopathy. Last evaluated: 2016-11-28. Review status: criteria provided, single submitter. Criteria: ACMG Guidelines, 2015. Collection method: clinical testing. Allele origin: germline. Study: Canadian Open Genetics Repository.

Eurofins Ntd Llc (ga)
Classification: Uncertain significance. Last evaluated: 2016-09-13. Review status: criteria provided, single submitter. Criteria: EGL Classification Definitions 2015. Collection method: clinical testing. Allele origin: germline. Observed: 1 variant allele, 1 heterozygote.

Literature cited by the submitters: PubMed 35081925 (cited by Labcorp Genetics (formerly Invitae), Labcorp and Ambry Genetics); PubMed 25589632 (cited by Labcorp Genetics (formerly Invitae), Labcorp); PubMed 23975875 (cited by Labcorp Genetics (formerly Invitae), Labcorp).